The following is an entry in ClinVar:

ClinVar aggregate classification (germline): Benign (1 of 4 stars; one submission).

Allele frequency attached by ClinVar (database versions not stated): 1000 Genomes Project 30x 0.00484; 1000 Genomes Project 0.00559; TOPMed 0.00819; gnomAD 0.00952 and 0.00980; ExAC 0.00971; gnomAD exomes 0.01014 and 0.01107; ESP Exome Variant Server 0.01023.
gnomAD v4.1: 17,390 of 1,600,982 alleles (1.1%); highest among the groups gnomAD compares: Non-Finnish European, 1.2%; 142 homozygotes.

Submission:

CeGaT Center for Human Genetics Tuebingen
Classification: Benign. Last evaluated: 2026-10-01. Review status: criteria provided, single submitter. Criteria: CeGaT Center For Human Genetics Tuebingen Variant Classification Criteria Version 2. Collection method: clinical testing. Allele origin: germline. Affected: yes. Observed: 50 variant alleles.
Comment: PTCD3: BP4, BP7, BS1, BS2

NM_017952.6(PTCD3):c.873A>G (p.Val291=)

Gene: PTCD3 (pentatricopeptide repeat domain 3; plus strand). Cytogenetic location: 2p11.2.
Variant type: single nucleotide variant.
Coding change: c.873A>G on transcript NM_017952.6 (MANE Select); coding-DNA position 873, A replaced by G.
Protein change: p.Val291=; no amino-acid change (valine 291 retained).
Molecular consequence: synonymous variant.
Genome position (GRCh38, 1-based): chr2:86,125,802, A>G. VCF-style: chr2-86125802-A-G. GRCh37 (hg19) VCF-style: chr2-86352925-A-G.
Identifiers: ClinVar variation 1694960 (VCV001694960.31), dbSNP rs139474497, ClinGen allele CA1747283.